The following is an entry in ClinVar:

NM_001354604.2(MITF):c.1219A>G (p.Ile407Val)

Gene: MITF (melanocyte inducing transcription factor; plus strand). Cytogenetic location: 3p13.
Variant type: single nucleotide variant.
Coding change: c.1219A>G on transcript NM_001354604.2 (MANE Select); coding-DNA position 1219, A replaced by G.
Protein change: p.Ile407Val; replaces isoleucine 407 with valine.
Molecular consequence: missense variant.
Genome position (GRCh38, 1-based): chr3:69,964,886, A>G. VCF-style: chr3-69964886-A-G. GRCh37 (hg19) VCF-style: chr3-70014037-A-G.
Other names: c.898A>G, p.Ile300Val (NM_000248.4); c.1045A>G, p.Ile349Val (NM_001184967.2, NM_001354608.2); c.1216A>G, p.Ile406Val (NM_001354605.2); c.1198A>G, p.Ile400Val (NM_001354606.2, NM_006722.3); c.1150A>G, p.Ile384Val (NM_001354607.2); c.880A>G, p.Ile294Val (NM_198158.3); c.1201A>G, p.Ile401Val (NM_198159.3); c.1153A>G, p.Ile385Val (NM_198177.3); and 1 more; short protein forms I238V, I294V, I300V, I349V, I384V, I385V, I400V, I401V.
Identifiers: ClinVar variation 3754631 (VCV003754631.2).
Genomic context (GRCh38, chr3:69,964,886, plus strand): 5'-TTATCTTTACTCTTATTATAGGAACTTGAAATGCAGGCTCGAGCTCATGGACTTTCCCTT[A>G]TTCCATCCACGGGTCTCTGCTCTCCAGATTTGGTGAATCGGATCATCAAGCAAGAACCCG-3'
Protein context (NP_001341533.1, residues 397-417): MQARAHGLSL[Ile407Val]PSTGLCSPDL

ClinVar aggregate classification (germline): Uncertain significance (1 of 4 stars; one submission).

Conditions:
Waardenburg syndrome type 2A (WS2A). Also called: WAARDENBURG SYNDROME WITHOUT DYSTOPIA CANTHORUM. Identifiers: Orphanet 3440, MedGen C1860339, MONDO:0008671, OMIM 193510.
Tietz syndrome (TADS). Also called: ALBINISM-DEAFNESS OF TIETZ; HYPOPIGMENTATION/DEAFNESS OF TIETZ; TIETZ ALBINISM-DEAFNESS SYNDROME. Identifiers: Orphanet 42665, MedGen C0391816, MONDO:0007077, OMIM 103500.
Melanoma, cutaneous malignant, susceptibility to, 8. Also called: MELANOMA AND RENAL CELL CARCINOMA, SUSCEPTIBILITY TO; Cutaneous malignant melanoma 8. Identifiers: Orphanet 293822, MedGen C3152204, MONDO:0013759, OMIM 614456.

Submission:

Labcorp Genetics (formerly Invitae), Labcorp
Classification: Uncertain significance for Melanoma, cutaneous malignant, susceptibility to, 8; Waardenburg syndrome type 2A; Tietz syndrome. Last evaluated: 2024-04-10. Review status: criteria provided, single submitter. Criteria: Invitae Variant Classification Sherloc (09022015). Collection method: clinical testing. Allele origin: germline.
Comment: This sequence change replaces isoleucine, which is neutral and non-polar, with valine, which is neutral and non-polar, at codon 300 of the MITF protein (p.Ile300Val). This variant is not present in population databases (gnomAD no frequency). This variant has not been reported in the literature in individuals affected with MITF-related conditions. Advanced modeling of protein sequence and biophysical properties (such as structural, functional, and spatial information, amino acid conservation, physicochemical variation, residue mobility, and thermodynamic stability) performed at Invitae indicates that this missense variant is not expected to disrupt MITF protein function with a negative predictive value of 80%. In summary, the available evidence is currently insufficient to determine the role of this variant in disease. Therefore, it has been classified as a Variant of Uncertain Significance.